The following is an entry in ClinVar:

NM_001346754.2(PIGW):c.1136C>A (p.Ala379Asp)

Genes: MYO19 (myosin XIX; minus strand), PIGW (phosphatidylinositol glycan anchor biosynthesis class W; plus strand). Cytogenetic location: 17q12.
Variant type: single nucleotide variant.
Coding change: c.1136C>A on transcript NM_001346754.2 (MANE Select); coding-DNA position 1136, C replaced by A.
Protein change: p.Ala379Asp; replaces alanine 379 with aspartic acid.
Molecular consequence: missense variant.
Genome position (GRCh38, 1-based): chr17:36,538,237, C>A. VCF-style: chr17-36538237-C-A. GRCh37 (hg19) VCF-style: chr17-34894086-C-A.
Other names: c.1136C>A, p.Ala379Asp (NM_001346755.2, NM_178517.5); c.1136C>A (NM_178517.3); short protein forms A379D.
Identifiers: ClinVar variation 1408069 (VCV001408069.8), dbSNP rs1183657483, ClinGen allele CA399164324.

ClinVar aggregate classification (germline): Uncertain significance. Review status: criteria provided, multiple submitters, no conflicts (2 of 4 stars). 2 submissions from 2 submitters: Uncertain significance (2). Last evaluated 2021-07-27.

Conditions:
Inborn genetic diseases. Identifiers: MedGen C0950123, MeSH D030342.
Hyperphosphatasia with intellectual disability syndrome 5 (GPIBD11). Also called: GLYCOSYLPHOSPHATIDYLINOSITOL BIOSYNTHESIS DEFECT 11. Identifiers: Orphanet 247262, MedGen C4014958, MONDO:0014457, OMIM 616025.

Allele frequency attached by ClinVar (database versions not stated): gnomAD exomes 0.00001 and 0.00002.
gnomAD v4.1: 26 of 1,613,078 alleles (0.0016%); highest among the groups gnomAD compares: Non-Finnish European, 0.0022%; no homozygotes.

Submissions (2):

Ambry Genetics
Classification: Uncertain significance for Inborn genetic diseases. Last evaluated: 2021-07-27. Review status: criteria provided, single submitter. Criteria: Ambry Variant Classification Scheme 2023. Collection method: clinical testing. Allele origin: germline.

Labcorp Genetics (formerly Invitae), Labcorp
Classification: Uncertain significance for Hyperphosphatasia with intellectual disability syndrome 5. Last evaluated: 2021-05-08. Review status: criteria provided, single submitter. Criteria: Invitae Variant Classification Sherloc (09022015). Collection method: clinical testing. Allele origin: germline.
Comment: This sequence change replaces alanine with aspartic acid at codon 379 of the PIGW protein (p.Ala379Asp). The alanine residue is highly conserved and there is a moderate physicochemical difference between alanine and aspartic acid. This variant is not present in population databases (ExAC no frequency). This variant has not been reported in the literature in individuals with PIGW-related conditions. Algorithms developed to predict the effect of missense changes on protein structure and function are either unavailable or do not agree on the potential impact of this missense change (SIFT: "Deleterious"; PolyPhen-2: "Probably Damaging"; Align-GVGD: "Class C15"). In summary, the available evidence is currently insufficient to determine the role of this variant in disease. Therefore, it has been classified as a Variant of Uncertain Significance.